The following is an entry in ClinVar:

NM_001142800.2(EYS):c.7654del (p.Tyr2551_Val2552insTer)

Gene: EYS (EGF-like photoreceptor maintenance factor; minus strand). Cytogenetic location: 6q12.
Variant type: Deletion.
Coding change: c.7654del on transcript NM_001142800.2 (MANE Select); coding-DNA position 7654, one base deleted (G; older notation c.7654delG).
Protein change: p.Tyr2551_Val2552insTer.
Molecular consequence: nonsense.
Genome position (GRCh38, 1-based): chr6:63,788,174, C deleted on the plus strand (G on the coding strand, the reverse complement: EYS is on the minus strand). VCF-style (leftmost placement, unchanged base first): chr6-63788173-AC-A. GRCh37 (hg19) VCF-style: chr6-64498066-AC-A.
Other names: c.7654del (NM_001142800.1); c.7654del, p.Tyr2551_Val2552insTer (NM_001292009.2).
Identifiers: ClinVar variation 422819 (VCV000422819.9), dbSNP rs1064796020, ClinGen allele CA16618298.
Genomic context (GRCh38, chr6:63,788,173, plus strand): 5'-CCATTTTTAAAATCTGCTCCATTTGGTAAGAGATCTGGAGTGTATTCACTGTAGCCACCT[AC>A]ATAAAACTGACTGAAGACATTGAGACCAACCAGTCTTCCTGGGGCGATAATGGATTTATT-3'

ClinVar aggregate classification (germline): Pathogenic/Likely pathogenic. Review status: criteria provided, multiple submitters, no conflicts (2 of 4 stars). 4 submissions from 4 submitters: Pathogenic (3); Likely pathogenic (1). Last evaluated 2024-08-20.

Conditions:
Retinitis pigmentosa 25 (RP25). Identifiers: Orphanet 791, MedGen C1864446, MONDO:0011272, OMIM 602772.
EYS-related disorder. Also called: EYS-related condition.

Allele frequency attached by ClinVar (database versions not stated): gnomAD exomes below 0.00001; TOPMed below 0.00001; gnomAD 0.00001.

Submissions (4):

Blueprint Genetics
Classification: Likely pathogenic for EYS-related disorders. Last evaluated: 2024-08-20. Review status: criteria provided, single submitter. Criteria: ACMG Guidelines, 2015. Collection method: clinical testing. Allele origin: germline. Affected: yes. Observed: 2 variant alleles.

Ocular Genomics Institute, Massachusetts Eye and Ear
Classification: Pathogenic for Retinitis pigmentosa 25. Last evaluated: 2021-04-08. Review status: criteria provided, single submitter. Criteria: ACMG Guidelines, 2015. Collection method: research. Allele origin: germline. Affected: yes.
Comment: Through a review of available evidence we were able to apply the following criteria: PVS1, PM2, PS1. Based on this evidence we have classified this variant as Pathogenic.

Labcorp Genetics (formerly Invitae), Labcorp
Classification: Pathogenic. Last evaluated: 2020-10-20. Review status: criteria provided, single submitter. Criteria: Invitae Variant Classification Sherloc (09022015). Collection method: clinical testing. Allele origin: germline.
Comment: This sequence change creates a premature translational stop signal (p.Val2552*) in the EYS gene. It is expected to result in an absent or disrupted protein product. Loss-of-function variants in EYS are known to be pathogenic (PMID: 18836446, 20333770). This variant is not present in population databases (ExAC no frequency). For these reasons, this variant has been classified as Pathogenic. This variant has not been reported in the literature in individuals with EYS-related conditions. ClinVar contains an entry for this variant (Variation ID: 422819).

GeneDx
Classification: Pathogenic. Last evaluated: 2016-12-09. Review status: criteria provided, single submitter. Criteria: GeneDx Variant Classification (06012015). Collection method: clinical testing. Allele origin: germline. Affected: yes.
Comment: The c.7654delG variant in the EYS gene has not been reported previously as a pathogenic variant nor as a benign variant, to our knowledge. The c.7654delG variant causes a frameshift, changing codon Valine 2552 to a premature Stop codon, denoted p.Val2552Ter. This variant is predicted to cause loss of normal protein function either through protein truncation or nonsense-mediated mRNA decay. The c.7654delG variant was not observed in approximately 2300 individuals of European and African American ancestry in the NHLBI Exome Sequencing Project, indicating it is not a common benign variant in these populations. We interpret c.7654delG as a pathogenic variant.

Literature cited by the submitters: PubMed 18836446 (cited by Labcorp Genetics (formerly Invitae), Labcorp); PubMed 20333770 (cited by Labcorp Genetics (formerly Invitae), Labcorp).